The following is an entry in ClinVar:

NM_000053.4(ATP7B):c.3903+2T>C

Gene: ATP7B (ATPase copper transporting beta; minus strand). Cytogenetic location: 13q14.3.
Variant type: single nucleotide variant.
Coding change: c.3903+2T>C on transcript NM_000053.4 (MANE Select); the canonical splice donor site of the intron after coding-DNA position 3903, T replaced by C.
Molecular consequence: splice donor variant. On other transcripts: intron variant (1).
Genome position (GRCh38, 1-based): chr13:51,937,474, A>G on the plus strand (T>C on the coding strand, the complement: ATP7B is on the minus strand). VCF-style: chr13-51937474-A-G. GRCh37 (hg19) VCF-style: chr13-52511610-A-G.
Other names: c.3759+2T>C (NM_001406521.1, NM_001406522.1, NM_001406520.1); c.3897+2T>C (NM_001406513.1); c.3903+2T>C (NM_001406511.1, NM_001406512.1); c.3411+2T>C (NM_001406543.1); c.3669+2T>C (NM_001406528.1, NM_001406527.1, NM_001330578.2); c.3849+2T>C (NM_001406516.1, NM_001406515.1); c.3651+2T>C (NM_001406532.1, NM_001406531.1, NM_001330579.2); c.3570+2T>C (NM_001243182.2); and 21 more.
Identifiers: ClinVar variation 4815503 (VCV004815503.1).

ClinVar aggregate classification (germline): Likely pathogenic (1 of 4 stars; one submission).

Conditions:
Wilson disease (WND). Also called: Wilson's disease. Identifiers: Orphanet 905, MedGen C0019202, MONDO:0010200, OMIM 277900. Disease mechanism: loss of function.

Submission:

Natera, Inc.
Classification: Likely pathogenic for Wilson disease. Last evaluated: 2026-01-26. Review status: criteria provided, single submitter. Criteria: Natera Variant Classification Schema (03/2026). Collection method: clinical testing. Allele origin: germline.
Comment: The c.3903+2T>C variant in ATP7B is a canonical splice donor site variant predicted to affect pre-mRNA splicing, which may result in an abnormal transcript and altered protein product. This variant is expected to result in nonsense mediated decay, truncation, or a dysfunctional protein product. This variant is rare in the general population with a frequency below the threshold expected for the associated phenotype(s). This variant has been observed in one or more individuals affected with the associated recessive disease, as either homozygous or compound heterozygous with a second variant (PMID: 39267050). Given the available evidence, this variant is classified as Likely Pathogenic.

Literature cited by the submitters: PubMed 39267050.